The following is an entry in ClinVar:

NM_014874.4(MFN2):c.1910C>T (p.Ser637Phe)

Gene: MFN2 (mitofusin 2; plus strand). Cytogenetic location: 1p36.22.
Variant type: single nucleotide variant.
Coding change: c.1910C>T on transcript NM_014874.4 (MANE Select); coding-DNA position 1910, C replaced by T.
Protein change: p.Ser637Phe; replaces serine 637 with phenylalanine.
Molecular consequence: missense variant.
Genome position (GRCh38, 1-based): chr1:12,007,090, C>T. VCF-style: chr1-12007090-C-T. GRCh37 (hg19) VCF-style: chr1-12067147-C-T.
Other names: c.1910C>T, p.Ser637Phe (NM_001127660.2); short protein forms S637F.
Identifiers: ClinVar variation 637714 (VCV000637714.11), dbSNP rs1569870801, ClinGen allele CA338450558.

ClinVar aggregate classification (germline): Uncertain significance. Review status: criteria provided, multiple submitters, no conflicts (2 of 4 stars). 3 submissions from 3 submitters: Uncertain significance (2). 1 of the submissions does not count toward it. Last evaluated 2023-05-15.

Conditions:
Inborn genetic diseases. Identifiers: MedGen C0950123, MeSH D030342.
Charcot-Marie-Tooth disease. Also called: Charcot-Marie-Tooth Neuropathy; Charcot-Marie-Tooth Hereditary Neuropathy. Identifiers: Orphanet 166, MedGen C0007959, MONDO:0015626.
Charcot-Marie-Tooth disease type 2. Also called: Charcot-Marie-Tooth type 2. Identifiers: Orphanet 64746, MedGen C0270914, MONDO:0018993.

Submissions (3):

Labcorp Genetics (formerly Invitae), Labcorp
Classification: Uncertain significance for Charcot-Marie-Tooth disease type 2. Last evaluated: 2023-05-15. Review status: criteria provided, single submitter. Criteria: Invitae Variant Classification Sherloc (09022015). Collection method: clinical testing. Allele origin: germline.
Comment: This variant has not been reported in the literature in individuals affected with MFN2-related conditions. ClinVar contains an entry for this variant (Variation ID: 637714). Advanced modeling of protein sequence and biophysical properties (such as structural, functional, and spatial information, amino acid conservation, physicochemical variation, residue mobility, and thermodynamic stability) performed at Invitae indicates that this missense variant is expected to disrupt MFN2 protein function. In summary, the available evidence is currently insufficient to determine the role of this variant in disease. Therefore, it has been classified as a Variant of Uncertain Significance. This variant is not present in population databases (gnomAD no frequency). This sequence change replaces serine, which is neutral and polar, with phenylalanine, which is neutral and non-polar, at codon 637 of the MFN2 protein (p.Ser637Phe).

Ambry Genetics
Classification: Uncertain significance for Inborn genetic diseases. Last evaluated: 2022-09-30. Review status: criteria provided, single submitter. Criteria: Ambry Variant Classification Scheme 2023. Collection method: clinical testing. Allele origin: germline.
Comment: The p.S637F variant (also known as c.1910C>T), located in coding exon 15 of the MFN2 gene, results from a C to T substitution at nucleotide position 1910. The serine at codon 637 is replaced by phenylalanine, an amino acid with highly dissimilar properties. This alteration has been detected in individuals with Charcot-Marie-Tooth type 2; however, clinical details were limited (Hauw F et al. Eur J Neurol, 2021 09;28:2846-2854; Bombelli F et al. JAMA Neurol, 2014 Aug;71:1036-42). This amino acid position is highly conserved in available vertebrate species. In addition, this alteration is predicted to be deleterious by in silico analysis. Since supporting evidence is limited at this time, the clinical significance of this alteration remains unclear.

Inherited Neuropathy Consortium
Classification: Uncertain significance for Charcot-Marie-Tooth disease. Review status: no assertion criteria provided. Collection method: literature only. Allele origin: germline. Affected: yes. Not counted in ClinVar's aggregate classification.

Literature cited by the submitters: PubMed 24957169 (cited by Ambry Genetics and Inherited Neuropathy Consortium); PubMed 34060689 (cited by Ambry Genetics).